The following is an entry in ClinVar:

ClinVar aggregate classification (germline): Uncertain significance (0 of 4 stars; one submission).

Conditions:
MAP2K1-related disorder. Also called: MAP2K1-related condition; MAP2K1-related disorders.

Submission:

PreventionGenetics, part of Exact Sciences
Classification: Uncertain significance for MAP2K1-related condition. Last evaluated: 2023-11-30. Review status: no assertion criteria provided. Collection method: clinical testing. Allele origin: germline.
Comment: The MAP2K1 c.15G>T variant is predicted to result in the amino acid substitution p.Lys5Asn. To our knowledge, this variant has not been reported in the literature or in a large population database, indicating this variant is rare. At this time, the clinical significance of this variant is uncertain due to the absence of conclusive functional and genetic evidence.

NM_002755.4(MAP2K1):c.15G>T (p.Lys5Asn)

Gene: MAP2K1 (mitogen-activated protein kinase kinase 1; plus strand). Cytogenetic location: 15q22.31.
Variant type: single nucleotide variant.
Coding change: c.15G>T on transcript NM_002755.4 (MANE Select); coding-DNA position 15, G replaced by T.
Protein change: p.Lys5Asn; replaces lysine 5 with asparagine.
Molecular consequence: missense variant.
Genome position (GRCh38, 1-based): chr15:66,387,362, G>T. VCF-style: chr15-66387362-G-T. GRCh37 (hg19) VCF-style: chr15-66679700-G-T.
Other names: short protein forms K5N.
Identifiers: ClinVar variation 2631331 (VCV002631331.3), dbSNP rs2140511623, ClinGen allele CA392931481.